The following is an entry in ClinVar:

ClinVar aggregate classification (germline): Pathogenic (3 of 4 stars; one submission).

Conditions:
GUCY2D-related recessive retinopathy. Also called: Recessive GUCY2D retinopathy. Identifiers: MedGen CN305603, MONDO:0100453.

Submission:

ClinGen Leber Congenital Amaurosis/early Onset Retinal Dystrophy Variant Curation Expert Panel, ClinGen
Classification: Pathogenic for GUCY2D-related recessive retinopathy. Last evaluated: 2025-01-31. Review status: reviewed by expert panel. Criteria: ClinGen LCAeoRD ACMG Specifications GUCY2D V1.0.0. Collection method: curation. Allele origin: germline. Inheritance: Autosomal recessive inheritance.
Comment: NM_000180.4(GUCY2D):c.726del (p.Ile243SerfsTer3) is a frameshift variant that introduces a premature stop codon into exon 3 of 20, and is predicted to lead to nonsense-mediated decay in a gene in which loss-of-function is an established mechanism of disease (PVS1). This variant is absent from gnomAD v4.1.0 (PM2_Supporting). At least one proband harboring this variant exhibits a phenotype including a diagnosis of Leber congenital amaurosis (0.5 pts) with genotyping by exome sequencing identifying no alternative basis for retinal disease (4 pts), which together are specific for GUCY2D-related recessive retinopathy (total 4.5 points, PMID: 27375279, PP4). In summary, this variant meets the criteria to be classified as pathogenic for GUCY2D-related recessive retinopathy based on the ACMG/AMP criteria applied, as specified by the ClinGen LCA / eoRD VCEP: PVS1, PM2_Supporting, and PP4. (VCEP specifications version 1.0.0; date of approval 01/22/2025).

NM_000180.4(GUCY2D):c.726del (p.Ile243fs)

Gene: GUCY2D (guanylate cyclase 2D, retinal; plus strand). Cytogenetic location: 17p13.1.
Variant type: Deletion.
Coding change: c.726del on transcript NM_000180.4 (MANE Select); coding-DNA position 726, one base deleted (G; older notation c.726delG).
Protein change: p.Ile243fs; shifts the reading frame from isoleucine 243.
Molecular consequence: frameshift variant.
Genome position (GRCh38, 1-based): chr17:8,003,856, G deleted. VCF-style (leftmost placement, unchanged base first): chr17-8003855-TG-T. GRCh37 (hg19) VCF-style: chr17-7907173-TG-T.
Other names: NM_000180.4:c.726del; short protein forms I243fs.
Identifiers: ClinVar variation 3602092 (VCV003602092.1).